The following is an entry in ClinVar:

ClinVar aggregate classification (germline): Uncertain significance. Review status: criteria provided, multiple submitters, no conflicts (2 of 4 stars). 4 submissions from 4 submitters: Uncertain significance (3). 1 of the submissions does not count toward it. Last evaluated 2024-09-16.

Conditions:
KIF1A-related disorder. Also called: KIF1A-related disorders; KIF1A-related condition.
Intellectual disability, autosomal dominant 9 (NESCAVS). Also called: NESCAV SYNDROME; KIF1A-Related Neurodevelopmental Disorder. Identifiers: Orphanet 662367, MedGen C5393830, MONDO:0013656, OMIM 614255.

Allele frequency attached by ClinVar (database versions not stated): gnomAD exomes 0.00006 and 0.00015; ExAC 0.00013; 1000 Genomes Project 30x 0.00016; 1000 Genomes Project 0.00020; gnomAD 0.00066 and 0.00073; ESP Exome Variant Server 0.00079; TOPMed 0.00079.
gnomAD v4.1: 185 of 1,612,912 alleles (0.011%); highest among the groups gnomAD compares: African/African-American, 0.22%; no homozygotes.

Submissions (4):

ARUP Laboratories, Molecular Genetics and Genomics, ARUP Laboratories
Classification: Uncertain significance. Last evaluated: 2024-09-16. Review status: criteria provided, single submitter. Criteria: ARUP Molecular Germline Variant Investigation Process 2024. Collection method: clinical testing. Allele origin: germline.
Comment: The KIF1A c.1243G>A; p.Gly415Ser variant (rs375833834), also known as c.1181-40G>A in transcript NM_004321.6, to our knowledge, is not reported in the medical literature or gene-specific databases. This variant is found in the African population with an overall allele frequency of 0.19% (46/24110 alleles) in the Genome Aggregation Database. The glycine at codon 415 is weakly conserved, but at least one computational algorithm (SIFT) predicts a damaging effect of this variant on protein structure/function. However, given the lack of clinical and functional data, the significance of the p.Gly415Ser variant is uncertain at this time.

New York Genome Center
Classification: Uncertain significance for Intellectual disability, autosomal dominant 9. Last evaluated: 2022-01-09. Review status: criteria provided, single submitter. Criteria: NYGC Assertion Criteria 2020. Collection method: clinical testing. Allele origin: germline. Observed: 1 heterozygote. Study: CSER-NYCKidSeq.

Baylor Genetics
Classification: Uncertain significance for Intellectual disability, autosomal dominant 9. Last evaluated: 2020-09-03. Review status: criteria provided, single submitter. Criteria: ACMG Guidelines, 2015. Collection method: clinical testing. Allele origin: maternal. Affected: yes.
Comment: This variant was determined to be of uncertain significance according to ACMG Guidelines, 2015 [PMID:25741868].

PreventionGenetics, part of Exact Sciences
Classification: Likely benign for KIF1A-related condition. Last evaluated: 2024-02-26. Review status: no assertion criteria provided. Collection method: clinical testing. Allele origin: germline. Not counted in ClinVar's aggregate classification.
Comment: This variant is classified as likely benign based on ACMG/AMP sequence variant interpretation guidelines (Richards et al. 2015 PMID: 25741868, with internal and published modifications).

NM_001244008.2(KIF1A):c.1208-40G>A

Gene: KIF1A (kinesin family member 1A; minus strand). Cytogenetic location: 2q37.3.
Variant type: single nucleotide variant.
Coding change: c.1208-40G>A on transcript NM_001244008.2 (MANE Select); 40 bases into the intron before coding-DNA position 1208, G replaced by A.
Molecular consequence: intron variant. On other transcripts: missense variant (7).
Genome position (GRCh38, 1-based): chr2:240,771,144, C>T on the plus strand (G>A on the coding strand, the complement: KIF1A is on the minus strand). VCF-style: chr2-240771144-C-T. GRCh37 (hg19) VCF-style: chr2-241710561-C-T.
Other names: c.1243G>A, p.Gly415Ser (NM_001330290.2, NM_001379631.1, NM_001379634.1 and 2 more transcripts); c.1216G>A, p.Gly406Ser (NM_001379637.1, NM_001379648.1); c.1181-40G>A (NM_001379653.1, NM_001379650.1, NM_001379645.1 and 10 more transcripts); c.1208-40G>A (NM_001320705.2, NM_001379638.1, NM_001330289.2); short protein forms G406S, G415S.
Identifiers: ClinVar variation 977377 (VCV000977377.15), dbSNP rs375833834, ClinGen allele CA2208485.
Genomic context (GRCh38, chr2:240,771,144, plus strand): 5'-TACCCACCAGGGCATTGGTCACTGTGGAGAGAGGGTCAGGGGCTTCATTCACCGTCCCGC[C>T]ACGGTTAAGGTTATTGTTCTCAAGGTCGGACACGTCTATGGGGAGGAGGGGTAGGGCGGG-3'